The following is an entry in ClinVar:

NM_000038.6(APC):c.3273A>G (p.Pro1091=)

Gene: APC (APC regulator of Wnt signaling pathway; plus strand). Cytogenetic location: 5q22.2.
Variant type: single nucleotide variant.
Coding change: c.3273A>G on transcript NM_000038.6 (MANE Select); coding-DNA position 3273, A replaced by G.
Protein change: p.Pro1091=; no amino-acid change (proline 1091 retained).
Molecular consequence: synonymous variant. On other transcripts: non-coding transcript variant (2).
Genome position (GRCh38, 1-based): chr5:112,838,867, A>G. VCF-style: chr5-112838867-A-G. GRCh37 (hg19) VCF-style: chr5-112174564-A-G.
Other names: c.3273A>G, p.Pro1091= (NM_001127510.3, NM_001354895.2, NM_001407450.1); c.3219A>G, p.Pro1073= (NM_001127511.3); c.3327A>G, p.Pro1109= (NM_001354896.2, NM_001407447.1, NM_001407448.1 and 1 more transcripts); c.3303A>G, p.Pro1101= (NM_001354897.2); c.3198A>G, p.Pro1066= (NM_001354898.2); c.3189A>G, p.Pro1063= (NM_001354899.2); c.3150A>G, p.Pro1050= (NM_001354900.2); c.3096A>G, p.Pro1032= (NM_001354901.2, NM_001407453.1); and 12 more.
Identifiers: ClinVar variation 4084248 (VCV004084248.9).
Genomic context (GRCh38, chr5:112,838,867, plus strand): 5'-AAGTACAACTTATCCTGTTTATACTGAGAGCACTGATGATAAACACCTCAAGTTCCAACC[A>G]CATTTTGGACAGCAGGAATGTGTTTCTCCATACAGGTCACGGGGAGCCAATGGTTCAGAA-3'
Protein context (NP_000029.2, residues 1081-1101): STDDKHLKFQ[Pro1091=]HFGQQECVSP

ClinVar aggregate classification (germline): Likely benign. Review status: criteria provided, multiple submitters, no conflicts (2 of 4 stars). 2 submissions from 2 submitters: Likely benign (2). Last evaluated 2026-07-25.

Conditions:
Hereditary cancer-predisposing syndrome. Also called: Neoplastic Syndromes, Hereditary; Tumor predisposition; Hereditary Cancer Syndrome; Hereditary neoplastic syndrome. Identifiers: Orphanet 140162, MedGen C0027672, MeSH D009386, MONDO:0015356.

Submissions (2):

Ambry Genetics
Classification: Likely benign for Hereditary cancer-predisposing syndrome. Last evaluated: 2026-07-25. Review status: criteria provided, single submitter. Criteria: Ambry Variant Classification Scheme 2023. Collection method: clinical testing. Allele origin: germline.

CeGaT Center for Human Genetics Tuebingen
Classification: Likely benign. Last evaluated: 2025-08-01. Review status: criteria provided, single submitter. Criteria: CeGaT Center For Human Genetics Tuebingen Variant Classification Criteria Version 2. Collection method: clinical testing. Allele origin: germline. Affected: yes. Observed: 1 variant allele.
Comment: APC: PM2:Supporting, BP4, BP7